The following is an entry in ClinVar:

NM_002221.4(ITPKB):c.1361G>C (p.Gly454Ala)

Gene: ITPKB (inositol-trisphosphate 3-kinase B; minus strand). Cytogenetic location: 1q42.12.
Variant type: single nucleotide variant.
Coding change: c.1361G>C on transcript NM_002221.4 (MANE Select); coding-DNA position 1361, G replaced by C.
Protein change: p.Gly454Ala; replaces glycine 454 with alanine.
Molecular consequence: missense variant.
Genome position (GRCh38, 1-based): chr1:226,736,098, C>G on the plus strand (G>C on the coding strand, the complement: ITPKB is on the minus strand). VCF-style: chr1-226736098-C-G. GRCh37 (hg19) VCF-style: chr1-226923799-C-G.
Other names: c.1361G>C, p.Gly454Ala (NM_001388404.1); short protein forms G454A.
Identifiers: ClinVar variation 4998337 (VCV004998337.1).

ClinVar aggregate classification (germline): Uncertain significance (1 of 4 stars; one submission).

Conditions:
ITPKB-related disorder. Also called: ITPKB-related condition.

gnomAD v4.1: 4 of 1,606,830 alleles (0.00025%); highest among the groups gnomAD compares: African/African-American, 0.0053%; no homozygotes.

Submission:

PreventionGenetics, part of Exact Sciences
Classification: Uncertain significance for ITPKB-related condition. Last evaluated: 2025-03-14. Review status: criteria provided, single submitter. Criteria: ACMG Guidelines, 2015. Collection method: clinical testing. Allele origin: germline.
Comment: The ITPKB c.1361G>C variant is predicted to result in the amino acid substitution p.Gly454Ala. To our knowledge, this variant has not been reported in the literature. This variant is reported in 0.011% of alleles in individuals of African descent in gnomAD. At this time, the clinical significance of this variant is uncertain due to the absence of conclusive functional and genetic evidence.